The following is an entry in ClinVar:

ClinVar aggregate classification (germline): Pathogenic (1 of 4 stars; one submission).

Conditions:
Methylcobalamin deficiency type cblE (HMAE). Also called: HOMOCYSTINURIA-MEGALOBLASTIC ANEMIA, cblE COMPLEMENTATION TYPE; VITAMIN B12-RESPONSIVE HOMOCYSTINURIA, cblE TYPE; HOMOCYSTINURIA-MEGALOBLASTIC ANEMIA, cblE TYPE. Identifiers: Orphanet 2169, Orphanet 622, MedGen C1856057, MONDO:0009354, OMIM 236270.

Submission:

Labcorp Genetics (formerly Invitae), Labcorp
Classification: Pathogenic for Methylcobalamin deficiency type cblE. Last evaluated: 2021-07-15. Review status: criteria provided, single submitter. Criteria: Invitae Variant Classification Sherloc (09022015). Collection method: clinical testing. Allele origin: germline.
Comment: This sequence change creates a premature translational stop signal (p.Ile538Asnfs*22) in the MTRR gene. It is expected to result in an absent or disrupted protein product. Loss-of-function variants in MTRR are known to be pathogenic (PMID: 15714522). This variant is present in population databases (rs757800887, ExAC 0.006%). This variant has not been reported in the literature in individuals affected with MTRR-related conditions. For these reasons, this variant has been classified as Pathogenic.

Literature cited by the submitters: PubMed 15714522.

NM_002454.3(MTRR):c.1612dup (p.Ile538fs)

Gene: MTRR (5-methyltetrahydrofolate-homocysteine methyltransferase reductase; plus strand). Cytogenetic location: 5p15.31.
Variant type: Duplication.
Coding change: c.1612dup on transcript NM_002454.3 (MANE Select); coding-DNA position 1612, one base duplicated (A; older notation c.1612dupA).
Protein change: p.Ile538fs; shifts the reading frame from isoleucine 538.
Molecular consequence: frameshift variant. On other transcripts: non-coding transcript variant (14).
Genome position (GRCh38, 1-based): chr5:7,895,788, A duplicated; the last of 2 consecutive A bases (chr5:7,895,787-7,895,788); duplicating either gives the same sequence. VCF-style (leftmost placement, unchanged base first): chr5-7895786-C-CA. GRCh37 (hg19) VCF-style: chr5-7895899-C-CA.
Other names: c.1612dup, p.Ile538fs (NM_001364441.2, NM_001364442.2, NM_024010.4 and 1 more transcripts); short protein forms I538fs.
Identifiers: ClinVar variation 1379312 (VCV001379312.6), dbSNP rs757800887, ClinGen allele CA3195999.